The following is an entry in ClinVar:

NM_005188.4(CBL):c.1227+1dup

Gene: CBL (Cbl proto-oncogene; plus strand). Cytogenetic location: 11q23.3.
Variant type: Duplication.
Coding change: c.1227+1dup on transcript NM_005188.4 (MANE Select); the canonical splice donor site of the intron after coding-DNA position 1227, one base duplicated (G; older notation c.1227+1dupG).
Molecular consequence: splice donor variant.
Genome position (GRCh38, 1-based): chr11:119,278,298, G duplicated; the last of 2 consecutive G bases (chr11:119,278,297-119,278,298); duplicating either gives the same sequence. VCF-style (leftmost placement, unchanged base first): chr11-119278296-A-AG. GRCh37 (hg19) VCF-style: chr11-119149006-A-AG.
Identifiers: ClinVar variation 4725612 (VCV004725612.1).

ClinVar aggregate classification (germline): Uncertain significance (1 of 4 stars; one submission).

Conditions:
RASopathy. Also called: rasopathies; Noonan spectrum disorder. Identifiers: Orphanet 536391, MedGen C5555857, MONDO:0021060.

Submission:

Labcorp Genetics (formerly Invitae), Labcorp
Classification: Uncertain significance for RASopathy. Last evaluated: 2025-08-18. Review status: criteria provided, single submitter. Criteria: Invitae Variant Classification Sherloc (09022015). Collection method: clinical testing. Allele origin: germline.
Comment: This sequence change affects a splice site in intron 8 of the CBL gene. It is expected to disrupt RNA splicing. Variants that disrupt the donor or acceptor splice site typically lead to a loss of protein function (PMID: 16199547), however the current clinical and genetic evidence is not sufficient to establish whether loss-of-function variants in CBL cause disease. This variant is not present in population databases (gnomAD no frequency). This variant has not been reported in the literature in individuals affected with CBL-related conditions. Algorithms developed to predict the effect of sequence changes on RNA splicing suggest that this variant may disrupt the consensus splice site. In summary, the available evidence is currently insufficient to determine the role of this variant in disease. Therefore, it has been classified as a Variant of Uncertain Significance.

Literature cited by the submitters: PubMed 16199547.